The following is an entry in ClinVar:

NM_003239.5(TGFB3):c.260G>T (p.Arg87Met)

Gene: TGFB3 (transforming growth factor beta 3; minus strand). Cytogenetic location: 14q24.3.
Variant type: single nucleotide variant.
Coding change: c.260G>T on transcript NM_003239.5 (MANE Select); coding-DNA position 260, G replaced by T.
Protein change: p.Arg87Met; replaces arginine 87 with methionine.
Molecular consequence: missense variant.
Genome position (GRCh38, 1-based): chr14:75,980,634, C>A on the plus strand (G>T on the coding strand, the complement: TGFB3 is on the minus strand). VCF-style: chr14-75980634-C-A. GRCh37 (hg19) VCF-style: chr14-76446977-C-A.
Other names: c.260G>T (NM_003239.4); c.260G>T, p.Arg87Met (NM_001329938.2, NM_001329939.2); short protein forms R87M.
Identifiers: ClinVar variation 1302541 (VCV001302541.8), dbSNP rs1379970824, ClinGen allele CA390471190.

ClinVar aggregate classification (germline): Uncertain significance. Review status: criteria provided, multiple submitters, no conflicts (2 of 4 stars). 5 submissions from 5 submitters: Uncertain significance (5). Last evaluated 2025-10-24.

Conditions:
Rienhoff syndrome. Also called: LOEYS-DIETZ SYNDROME 5. Identifiers: MedGen C3810012, MONDO:0014262, OMIM 615582.
Arrhythmogenic right ventricular dysplasia 1. Identifiers: Orphanet 3403, MedGen C1862511, MONDO:0007152, OMIM 107970.
TGFB3-related disorder. Also called: TGFB3-related condition.
Familial thoracic aortic aneurysm and aortic dissection (TAAD). Also called: Thoracic aortic aneurysms and dissections. Identifiers: Orphanet 91387, MedGen C4707243, MONDO:0019625.

Allele frequency attached by ClinVar (database versions not stated): gnomAD exomes below 0.00001.
gnomAD v4.1: 4 of 1,614,250 alleles (0.00025%); highest among the groups gnomAD compares: Admixed American, 0.0033%; no homozygotes.

Submissions (5):

Ambry Genetics
Classification: Uncertain significance for Familial thoracic aortic aneurysm and aortic dissection. Last evaluated: 2025-10-24. Review status: criteria provided, single submitter. Criteria: Ambry Variant Classification Scheme 2023. Collection method: clinical testing. Allele origin: germline.

Labcorp Genetics (formerly Invitae), Labcorp
Classification: Uncertain significance for Rienhoff syndrome. Last evaluated: 2024-10-30. Review status: criteria provided, single submitter. Criteria: Invitae Variant Classification Sherloc (09022015). Collection method: clinical testing. Allele origin: germline.
Comment: This sequence change replaces arginine, which is basic and polar, with methionine, which is neutral and non-polar, at codon 87 of the TGFB3 protein (p.Arg87Met). This variant is present in population databases (no rsID available, gnomAD 0.003%). This variant has not been reported in the literature in individuals affected with TGFB3-related conditions. ClinVar contains an entry for this variant (Variation ID: 1302541). Invitae Evidence Modeling of protein sequence and biophysical properties (such as structural, functional, and spatial information, amino acid conservation, physicochemical variation, residue mobility, and thermodynamic stability) indicates that this missense variant is not expected to disrupt TGFB3 protein function with a negative predictive value of 80%. In summary, the available evidence is currently insufficient to determine the role of this variant in disease. Therefore, it has been classified as a Variant of Uncertain Significance.

PreventionGenetics, part of Exact Sciences
Classification: Uncertain significance for TGFB3-related condition. Last evaluated: 2022-12-26. Review status: criteria provided, single submitter. Criteria: ACMG Guidelines, 2015. Collection method: clinical testing. Allele origin: germline.
Comment: The TGFB3 c.260G>T variant is predicted to result in the amino acid substitution p.Arg87Met. To our knowledge, this variant has not been reported in the literature. This variant is reported in 0.0029% of alleles in individuals of Latino descent in gnomAD. At this time, the clinical significance of this variant is uncertain due to the absence of conclusive functional and genetic evidence.

GeneDx
Classification: Uncertain significance. Last evaluated: 2021-03-31. Review status: criteria provided, single submitter. Criteria: GeneDx Variant Classification Process June 2021. Collection method: clinical testing. Allele origin: germline. Affected: yes.
Comment: Has not been previously published as pathogenic or benign to our knowledge; Not observed at a significant frequency in large population cohorts (Lek et al., 2016); In silico analysis supports that this missense variant does not alter protein structure/function

Center for Genomics, Ann and Robert H. Lurie Children's Hospital of Chicago
Classification: Uncertain significance for Arrhythmogenic right ventricular dysplasia 1; Rienhoff syndrome. Review status: criteria provided, single submitter. Criteria: ACMG Guidelines, 2015. Collection method: clinical testing. Allele origin: germline.
Comment: TGFB3 NM_003239.4 exon 1 p.Arg87Met (c.260G>T): This variant has not been reported in the literature, but it is present in 1/33582 Latino alleles in the Genome Aggregation Database. Evolutionary conservation and computational predictive tools for this variant are unclear. In summary, data on this variant is insufficient for disease classification. Therefore, the clinical significance of this variant is uncertain